The following is an entry in ClinVar:

ClinVar aggregate classification (germline): Uncertain significance (1 of 4 stars; one submission).

Allele frequency attached by ClinVar (database versions not stated): ExAC 0.00001; gnomAD 0.00001; gnomAD exomes 0.00001; TOPMed 0.00003.
gnomAD v4.1: 5 of 1,613,634 alleles (0.00031%); highest among the groups gnomAD compares: African/African-American, 0.0013%; no homozygotes.

Submission:

Labcorp Genetics (formerly Invitae), Labcorp
Classification: Uncertain significance. Last evaluated: 2022-05-15. Review status: criteria provided, single submitter. Criteria: Invitae Variant Classification Sherloc (09022015). Collection method: clinical testing. Allele origin: germline.
Comment: This variant is present in population databases (rs768284835, gnomAD 0.003%). This sequence change replaces threonine, which is neutral and polar, with alanine, which is neutral and non-polar, at codon 674 of the ERCC3 protein (p.Thr674Ala). In summary, the available evidence is currently insufficient to determine the role of this variant in disease. Therefore, it has been classified as a Variant of Uncertain Significance. Algorithms developed to predict the effect of missense changes on protein structure and function (SIFT, PolyPhen-2, Align-GVGD) all suggest that this variant is likely to be tolerated. This variant has not been reported in the literature in individuals affected with ERCC3-related conditions.

NM_000122.2(ERCC3):c.2020A>G (p.Thr674Ala)

Gene: ERCC3 (ERCC excision repair 3, TFIIH core complex helicase subunit; minus strand). Cytogenetic location: 2q14.3.
Variant type: single nucleotide variant.
Coding change: c.2020A>G on transcript NM_000122.2 (MANE Select); coding-DNA position 2020, A replaced by G.
Protein change: p.Thr674Ala; replaces threonine 674 with alanine.
Molecular consequence: missense variant.
Genome position (GRCh38, 1-based): chr2:127,261,272, T>C on the plus strand (A>G on the coding strand, the complement: ERCC3 is on the minus strand). VCF-style: chr2-127261272-T-C. GRCh37 (hg19) VCF-style: chr2-128018848-T-C.
Other names: c.1828A>G, p.Thr610Ala (NM_001303416.2, NM_001303418.2); short protein forms T610A, T674A.
Identifiers: ClinVar variation 2150386 (VCV002150386.3), dbSNP rs768284835, ClinGen allele CA1858114.